The following is an entry in ClinVar:

NM_178172.6(GPIHBP1):c.381del (p.Thr127_Met128insTer)

Gene: GPIHBP1 (glycosylphosphatidylinositol anchored high density lipoprotein binding protein 1; plus strand). Cytogenetic location: 8q24.3.
Variant type: Deletion.
Coding change: c.381del on transcript NM_178172.6 (MANE Select); coding-DNA position 381, one base deleted (C; older notation c.381delC).
Protein change: p.Thr127_Met128insTer.
Molecular consequence: frameshift variant. On other transcripts: intron variant (1).
Genome position (GRCh38, 1-based): chr8:143,215,344, C deleted; the last of 2 consecutive C bases (chr8:143,215,343-143,215,344); deleting either gives the same sequence. VCF-style (leftmost placement, unchanged base first): chr8-143215342-AC-A. GRCh37 (hg19) VCF-style: chr8-144297217-AC-A.
Other names: c.375+6del (NM_001301772.2).
Identifiers: ClinVar variation 4292487 (VCV004292487.1).

ClinVar aggregate classification (germline): Likely pathogenic (1 of 4 stars; one submission).

Conditions:
Hyperlipoproteinemia, type 1D. Also called: Hyperlipoproteinemia, type ID. Identifiers: Orphanet 444490, Orphanet 535458, MedGen C4014767, MONDO:0014412, OMIM 615947.

Submission:

3billion
Classification: Likely pathogenic for Hyperlipoproteinemia, type 1D. Last evaluated: 2024-09-09. Review status: criteria provided, single submitter. Criteria: ACMG Guidelines, 2015. Collection method: clinical testing. Allele origin: germline. Affected: yes.
Comment: The variant is not observed in the gnomAD v4.0.0 dataset. Predicted Consequence/Location: Stop-gained (nonsense): predicted to result in a loss or disruption of normal protein function through protein truncation. The predicted truncated protein may be shortened by more than 10%. Therefore, this variant is classified as Likely pathogenic according to the recommendation of ACMG/AMP guideline.